The following is an entry in ClinVar:

ClinVar aggregate classification (germline): Uncertain significance. Review status: criteria provided, multiple submitters, no conflicts (2 of 4 stars). 7 submissions from 7 submitters: Uncertain significance (7). Last evaluated 2026-04-09.

Conditions:
SPG11-related disorder. Also called: SPG11-related condition.
Inborn genetic diseases. Identifiers: MedGen C0950123, MeSH D030342.
Hereditary spastic paraplegia 11. Also called: SPASTIC PARAPLEGIA, AUTOSOMAL RECESSIVE, COMPLICATED, WITH THIN CORPUS CALLOSUM; SPASTIC PARAPLEGIA, AUTOSOMAL RECESSIVE, WITH MENTAL IMPAIRMENT AND THIN CORPUS CALLOSUM; Spastic Paraplegia 11; Nakamura Osame syndrome; Autosomal recessive hereditary spastic paraplegia, mental impairment, and thin corpus callosum; Spastic paraplegia, mental retardation and thin corpus callosum. Identifiers: Orphanet 2822, MedGen C1858479, MONDO:0011445, OMIM 604360.

Allele frequency attached by ClinVar (database versions not stated): gnomAD 0.00002 and 0.00003; ExAC 0.00003; TOPMed 0.00005; gnomAD exomes 0.00008.
gnomAD v4.1: 45 of 1,613,908 alleles (0.0028%); highest among the groups gnomAD compares: Admixed American, 0.048%; no homozygotes.

Submissions (7):

GeneDx
Classification: Uncertain significance. Last evaluated: 2026-04-09. Review status: criteria provided, single submitter. Criteria: GeneDx Variant Classification Process June 2021. Collection method: clinical testing. Allele origin: germline.
Comment: Has not been previously published as pathogenic or benign to our knowledge; In silico analysis supports that this missense variant has a deleterious effect on protein structure/function

PreventionGenetics, part of Exact Sciences
Classification: Uncertain significance for SPG11-related condition. Last evaluated: 2025-12-30. Review status: criteria provided, single submitter. Criteria: ACMG Guidelines, 2015. Collection method: clinical testing. Allele origin: germline.
Comment: The SPG11 c.3551G>T variant is predicted to result in the amino acid substitution p.Ser1184Ile. To our knowledge, this variant has not been reported in the literature. This variant is reported in 0.049% of alleles in individuals of Latino descent in gnomAD. At this time, the clinical significance of this variant is uncertain due to the absence of conclusive functional and genetic evidence.

Ambry Genetics
Classification: Uncertain significance for Inborn genetic diseases. Last evaluated: 2025-02-21. Review status: criteria provided, single submitter. Criteria: Ambry Variant Classification Scheme 2023. Collection method: clinical testing. Allele origin: germline.

Revvity Omics, Revvity
Classification: Uncertain significance. Last evaluated: 2023-04-11. Review status: criteria provided, single submitter. Criteria: ACMG Guidelines, 2015. Collection method: clinical testing. Allele origin: germline.

Athena Diagnostics
Classification: Uncertain significance. Last evaluated: 2022-11-17. Review status: criteria provided, single submitter. Criteria: Athena Diagnostics Criteria. Collection method: clinical testing. Allele origin: unknown.
Comment: Available data are insufficient to determine the clinical significance of the variant at this time. The frequency of this variant in the general population is uninformative in assessment of its pathogenicity. Computational tools disagree on the variant's effect on normal protein function.

Labcorp Genetics (formerly Invitae), Labcorp
Classification: Uncertain significance for Hereditary spastic paraplegia 11. Last evaluated: 2022-08-09. Review status: criteria provided, single submitter. Criteria: Invitae Variant Classification Sherloc (09022015). Collection method: clinical testing. Allele origin: germline.
Comment: This sequence change replaces serine, which is neutral and polar, with isoleucine, which is neutral and non-polar, at codon 1184 of the SPG11 protein (p.Ser1184Ile). This variant is present in population databases (rs766403944, gnomAD 0.05%). This missense change has been observed in individual(s) with clinical features of SPG11-related conditions (Invitae). ClinVar contains an entry for this variant (Variation ID: 856597). Algorithms developed to predict the effect of missense changes on protein structure and function (SIFT, PolyPhen-2, Align-GVGD) all suggest that this variant is likely to be disruptive. In summary, the available evidence is currently insufficient to determine the role of this variant in disease. Therefore, it has been classified as a Variant of Uncertain Significance.

Breakthrough Genomics
Classification: Uncertain significance. Review status: criteria provided, single submitter. Criteria: ACMG Guidelines, 2015. Collection method: not provided. Allele origin: germline. Inheritance: Autosomal recessive inheritance. Affected: yes.

NM_025137.4(SPG11):c.3551G>T (p.Ser1184Ile)

Gene: SPG11 (SPG11 vesicle trafficking associated, spatacsin; minus strand). Cytogenetic location: 15q21.1.
Variant type: single nucleotide variant.
Coding change: c.3551G>T on transcript NM_025137.4 (MANE Select); coding-DNA position 3551, G replaced by T.
Protein change: p.Ser1184Ile; replaces serine 1184 with isoleucine.
Molecular consequence: missense variant.
Genome position (GRCh38, 1-based): chr15:44,600,602, C>A on the plus strand (G>T on the coding strand, the complement: SPG11 is on the minus strand). VCF-style: chr15-44600602-C-A. GRCh37 (hg19) VCF-style: chr15-44892800-C-A.
Other names: c.3551G>T, p.Ser1184Ile (NM_001160227.2); short protein forms S1184I.
Identifiers: ClinVar variation 856597 (VCV000856597.13), dbSNP rs766403944, ClinGen allele CA7534903.
Genomic context (GRCh38, chr15:44,600,602, plus strand): 5'-TGTAAATAATAAGCAAAATTCAGACGTTCCACTATAGCATATTTATTAACCAGGTCAGGG[C>A]TAGAGAAATGTGGGAGATGACTCCATGCATCTAGGGGGAAAGTAAAACAATATTAATTAT-3'
Protein context (NP_079413.3, residues 1174-1194): DAWSHLPHFS[Ser1184Ile]PDLVNKYAIV